The following is an entry in ClinVar:

ClinVar aggregate classification (germline): Uncertain significance. Review status: criteria provided, multiple submitters, no conflicts (2 of 4 stars). 2 submissions from 2 submitters: Uncertain significance (2). Last evaluated 2025-08-30.

Conditions:
Inborn genetic diseases. Identifiers: MedGen C0950123, MeSH D030342.

Allele frequency attached by ClinVar (database versions not stated): ExAC 0.00001; gnomAD 0.00001.
gnomAD v4.1: 2 of 1,614,034 alleles (0.00012%); highest among the groups gnomAD compares: Non-Finnish European, 0.000085%; no homozygotes.

Submissions (2):

Ambry Genetics
Classification: Uncertain significance for Inborn genetic diseases. Last evaluated: 2025-08-30. Review status: criteria provided, single submitter. Criteria: Ambry Variant Classification Scheme 2023. Collection method: clinical testing. Allele origin: germline.

Labcorp Genetics (formerly Invitae), Labcorp
Classification: Uncertain significance. Last evaluated: 2024-07-23. Review status: criteria provided, single submitter. Criteria: Invitae Variant Classification Sherloc (09022015). Collection method: clinical testing. Allele origin: germline.
Comment: This sequence change replaces serine, which is neutral and polar, with asparagine, which is neutral and polar, at codon 762 of the DSG1 protein (p.Ser762Asn). This variant is not present in population databases (gnomAD no frequency). This variant has not been reported in the literature in individuals affected with DSG1-related conditions. Advanced modeling of protein sequence and biophysical properties (such as structural, functional, and spatial information, amino acid conservation, physicochemical variation, residue mobility, and thermodynamic stability) performed at Invitae indicates that this missense variant is not expected to disrupt DSG1 protein function with a negative predictive value of 80%. In summary, the available evidence is currently insufficient to determine the role of this variant in disease. Therefore, it has been classified as a Variant of Uncertain Significance.

NM_001942.4(DSG1):c.2285G>A (p.Ser762Asn)

Genes: DSG1 (desmoglein 1; plus strand), DSG1-AS1 (DSG1 antisense RNA 1; minus strand), LOC126862720 (MED14-independent group 3 enhancer GRCh37_chr18:28933613-28934812; plus strand). Cytogenetic location: 18q12.1.
Variant type: single nucleotide variant.
Coding change: c.2285G>A on transcript NM_001942.4 (MANE Select); coding-DNA position 2285, G replaced by A.
Protein change: p.Ser762Asn; replaces serine 762 with asparagine.
Molecular consequence: missense variant.
Genome position (GRCh38, 1-based): chr18:31,354,481, G>A. VCF-style: chr18-31354481-G-A. GRCh37 (hg19) VCF-style: chr18-28934444-G-A.
Other names: c.2285G>A (NM_001942.2); short protein forms S762N.
Identifiers: ClinVar variation 2896646 (VCV002896646.4), dbSNP rs765847367, ClinGen allele CA8926329.